The following is an entry in ClinVar:

ClinVar aggregate classification (germline): Uncertain significance (1 of 4 stars; one submission).

Submission:

GeneDx
Classification: Uncertain significance. Last evaluated: 2024-05-14. Review status: criteria provided, single submitter. Criteria: GeneDx Variant Classification Process June 2021. Collection method: clinical testing. Allele origin: germline. Affected: yes.
Comment: Not observed at significant frequency in large population cohorts (gnomAD); In silico analysis supports that this missense variant has a deleterious effect on protein structure/function; Has not been previously published as pathogenic or benign to our knowledge

NM_004818.3(DDX23):c.353C>A (p.Ser118Tyr)

Gene: DDX23 (DEAD-box helicase 23; minus strand). Cytogenetic location: 12q13.12.
Variant type: single nucleotide variant.
Coding change: c.353C>A on transcript NM_004818.3 (MANE Select); coding-DNA position 353, C replaced by A.
Protein change: p.Ser118Tyr; replaces serine 118 with tyrosine.
Molecular consequence: missense variant.
Genome position (GRCh38, 1-based): chr12:48,840,074, G>T on the plus strand (C>A on the coding strand, the complement: DDX23 is on the minus strand). VCF-style: chr12-48840074-G-T. GRCh37 (hg19) VCF-style: chr12-49233857-G-T.
Other names: short protein forms S118Y.
Identifiers: ClinVar variation 3377838 (VCV003377838.1).